The following is an entry in ClinVar:

NM_001048166.1(STIL):c.1701G>T (p.Pro567=)

Gene: STIL (STIL centriolar assembly protein; minus strand). Cytogenetic location: 1p33.
Variant type: single nucleotide variant.
Coding change: c.1701G>T on transcript NM_001048166.1 (MANE Select); coding-DNA position 1701, G replaced by T.
Protein change: p.Pro567=; no amino-acid change (proline 567 retained).
Molecular consequence: synonymous variant.
Genome position (GRCh38, 1-based): chr1:47,280,757, C>A on the plus strand (G>T on the coding strand, the complement: STIL is on the minus strand). VCF-style: chr1-47280757-C-A. GRCh37 (hg19) VCF-style: chr1-47746429-C-A.
Other names: c.1701G>T, p.Pro567= (NM_001282936.1, NM_001282937.1, NM_003035.2); c.1560G>T, p.Pro520= (NM_001282938.1, NM_001282939.1, NM_001377417.1).
Identifiers: ClinVar variation 3041903 (VCV003041903.12), dbSNP rs368458430, ClinGen allele CA417892292.

ClinVar aggregate classification (germline): Likely benign. Review status: criteria provided, single submitter (1 of 4 stars). 2 submissions from 2 submitters: Likely benign (1). 1 of the submissions does not count toward it. Last evaluated 2025-05-01.

Conditions:
STIL-related disorder. Also called: STIL-related condition.

gnomAD v4.1: 14 of 1,613,698 alleles (0.00087%); highest among the groups gnomAD compares: East Asian, 0.0045%; no homozygotes.

Submissions (2):

CeGaT Center for Human Genetics Tuebingen
Classification: Likely benign. Last evaluated: 2025-05-01. Review status: criteria provided, single submitter. Criteria: CeGaT Center For Human Genetics Tuebingen Variant Classification Criteria Version 2. Collection method: clinical testing. Allele origin: germline. Affected: yes. Observed: 1 variant allele.
Comment: STIL: BP4, BP7

PreventionGenetics, part of Exact Sciences
Classification: Likely benign for STIL-related condition. Last evaluated: 2019-05-15. Review status: no assertion criteria provided. Collection method: clinical testing. Allele origin: germline. Not counted in ClinVar's aggregate classification.
Comment: This variant is classified as likely benign based on ACMG/AMP sequence variant interpretation guidelines (Richards et al. 2015 PMID: 25741868, with internal and published modifications).